The following is an entry in ClinVar:

NM_000373.4(UMPS):c.344C>T (p.Pro115Leu)

Gene: UMPS (uridine monophosphate synthetase; plus strand). Cytogenetic location: 3q21.2.
Variant type: single nucleotide variant.
Coding change: c.344C>T on transcript NM_000373.4 (MANE Select); coding-DNA position 344, C replaced by T.
Protein change: p.Pro115Leu; replaces proline 115 with leucine.
Molecular consequence: missense variant. On other transcripts: non-coding transcript variant (2).
Genome position (GRCh38, 1-based): chr3:124,737,601, C>T. VCF-style: chr3-124737601-C-T. GRCh37 (hg19) VCF-style: chr3-124456448-C-T.
Other names: short protein forms P115L.
Identifiers: ClinVar variation 4882149 (VCV004882149.2).
Genomic context (GRCh38, chr3:124,737,601, plus strand): 5'-GAATCAGCAAAATTTTTTCTTTTCTAGGAACTAAGCGTCTTGTAGAAGGAACTATTAATC[C>T]AGGAGAAACCTGTTTAATCATTGAAGATGTTGTCACCAGTGGATCTAGTGTTTTGGAAAC-3'
Protein context (NP_000364.1, residues 105-125): TKRLVEGTIN[Pro115Leu]GETCLIIEDV

ClinVar aggregate classification (germline): Uncertain significance (1 of 4 stars; one submission).

Submission:

Dasa
Classification: Uncertain significance. Last evaluated: 2025-08-25. Review status: criteria provided, single submitter. Criteria: DASA Assertion Criteria. Collection method: clinical testing. Allele origin: germline.
Comment: NM_000373.4(UMPS):c.344C>T (p.Pro115Leu) is a missense variant that results in the substitution of proline with leucine. This variant is absent from population databases. The currently available literature and clinical evidence are not sufficient to establish a definitive association between this variant and the reported condition. Therefore, this variant is classified as a variant of uncertain significance.